The following is an entry in ClinVar:

ClinVar aggregate classification (germline): Benign/Likely benign. Review status: criteria provided, multiple submitters, no conflicts (2 of 4 stars). 5 submissions from 5 submitters: Benign (2); Likely benign (3). Last evaluated 2026-09-01.

Allele frequency attached by ClinVar (database versions not stated): 1000 Genomes Project 30x 0.00187; 1000 Genomes Project 0.00200; ExAC 0.00420; gnomAD exomes 0.00422 and 0.00758; gnomAD 0.00444 and 0.00459; TOPMed 0.00455; ESP Exome Variant Server 0.00500.
gnomAD v4.1: 11,719 of 1,612,470 alleles (0.73%); highest among the groups gnomAD compares: Non-Finnish European, 0.91%; 58 homozygotes.

Submissions (5):

CeGaT Center for Human Genetics Tuebingen
Classification: Likely benign. Last evaluated: 2026-09-01. Review status: criteria provided, single submitter. Criteria: CeGaT Center For Human Genetics Tuebingen Variant Classification Criteria Version 2. Collection method: clinical testing. Allele origin: germline. Affected: yes. Observed: 18 variant alleles.
Comment: SRP54: BP4, BP7, BS2

Labcorp Genetics (formerly Invitae), Labcorp
Classification: Benign. Last evaluated: 2026-02-01. Review status: criteria provided, single submitter. Criteria: Invitae Variant Classification Sherloc (09022015). Collection method: clinical testing. Allele origin: germline.

Mayo Clinic Laboratories, Mayo Clinic
Classification: Likely benign. Last evaluated: 2025-03-21. Review status: criteria provided, single submitter. Criteria: ACMG Guidelines, 2015. Collection method: clinical testing. Allele origin: germline. Observed: 7 variant alleles.
Comment: BS2, BP4, BP7

Blueprint Genetics
Classification: Likely benign. Last evaluated: 2024-11-27. Review status: criteria provided, single submitter. Criteria: ACMG Guidelines, 2015. Collection method: clinical testing. Allele origin: germline.

Breakthrough Genomics
Classification: Benign. Review status: criteria provided, single submitter. Criteria: ACMG Guidelines, 2015. Collection method: not provided. Allele origin: germline. Inheritance: Autosomal dominant inheritance. Affected: yes.

NM_003136.4(SRP54):c.894C>T (p.Gly298=)

Gene: SRP54 (signal recognition particle 54; plus strand). Cytogenetic location: 14q13.2.
Variant type: single nucleotide variant.
Coding change: c.894C>T on transcript NM_003136.4 (MANE Select); coding-DNA position 894, C replaced by T.
Protein change: p.Gly298=; no amino-acid change (glycine 298 retained).
Molecular consequence: synonymous variant.
Genome position (GRCh38, 1-based): chr14:35,014,751, C>T. VCF-style: chr14-35014751-C-T. GRCh37 (hg19) VCF-style: chr14-35483957-C-T.
Other names: p.Gly298=; c.747C>T, p.Gly249= (NM_001146282.2).
Identifiers: ClinVar variation 770782 (VCV000770782.39), dbSNP rs61754298, ClinGen allele CA7153721.
Genomic context (GRCh38, chr14:35,014,751, plus strand): 5'-TGTGAAGCAGGGTATAGTATTAGTTGTTAATTTTTCTTTTTTGTATCTTATAGGTATGGG[C>T]GACATTGAAGGACTGATAGATAAAGTCAACGAGTTGAAGTTGGATGACAATGAAGCACTT-3'
Protein context (NP_003127.1, residues 288-308): QPFISKLLGM[Gly298=]DIEGLIDKVN